The following is an entry in ClinVar:

ClinVar aggregate classification (germline): Benign/Likely benign. Review status: criteria provided, multiple submitters, no conflicts (2 of 4 stars). 5 submissions from 5 submitters: Benign (3); Likely benign (2). Last evaluated 2026-02-03.

Conditions:
Intellectual disability, autosomal recessive 53 (NEDHSCA). Also called: GLYCOSYLPHOSPHATIDYLINOSITOL BIOSYNTHESIS DEFECT 13; Mental retardation, autosomal recessive 53; NEURODEVELOPMENTAL DISORDER WITH OR WITHOUT HYPOTONIA, SEIZURES, AND CEREBELLAR ATROPHY. Identifiers: Orphanet 488635, MedGen C4310794, MONDO:0014832, OMIM 616917.

Allele frequency attached by ClinVar (database versions not stated): ExAC 0.00522; ESP Exome Variant Server 0.01341; gnomAD 0.01489 and 0.01599; TOPMed 0.01685; 1000 Genomes Project 0.01877; 1000 Genomes Project 30x 0.01968.
gnomAD v4.1: 5,406 of 1,613,190 alleles (0.34%); highest among the groups gnomAD compares: African/African-American, 4.7%; 99 homozygotes.

Submissions (12):

Labcorp Genetics (formerly Invitae), Labcorp
Classification: Benign for Intellectual disability, autosomal recessive 53. Last evaluated: 2026-02-03. Review status: criteria provided, single submitter. Criteria: Invitae Variant Classification Sherloc (09022015). Collection method: clinical testing. Allele origin: germline.

Mayo Clinic Laboratories, Mayo Clinic
Classification: Benign. Last evaluated: 2024-11-01. Review status: criteria provided, single submitter. Criteria: ACMG Guidelines, 2015. Collection method: clinical testing. Allele origin: germline. Observed: 2 variant alleles.
Comment: BS1, BS2, BP4

GeneDx
Classification: Likely benign. Last evaluated: 2021-04-02. Review status: criteria provided, single submitter. Criteria: GeneDx Variant Classification Process June 2021. Collection method: clinical testing. Allele origin: germline. Affected: yes.

Center for Pediatric Genomic Medicine, Children's Mercy Hospital and Clinics
Classification: Benign. Last evaluated: 2016-12-30. Review status: criteria provided, single submitter. Criteria: ACMG Guidelines, 2015. Collection method: clinical testing. Allele origin: germline.

Breakthrough Genomics
Classification: Likely benign. Review status: criteria provided, single submitter. Criteria: ACMG Guidelines, 2015. Collection method: not provided. Allele origin: germline. Inheritance: Autosomal recessive inheritance. Affected: yes.

Dr. Peter K. Rogan Lab, Western University
No classification provided (evidence only). Condition: Clear cell carcinoma of kidney. Review status: no classification provided. Collection method: in vitro. Allele origin: not applicable. Functional consequence: retained intron. Not counted in ClinVar's aggregate classification.

Dr. Peter K. Rogan Lab, Western University
No classification provided (evidence only). Condition: Lung cancer. Review status: no classification provided. Collection method: in vitro. Allele origin: not applicable. Functional consequence: retained intron. Not counted in ClinVar's aggregate classification.

Dr. Peter K. Rogan Lab, Western University
No classification provided (evidence only). Condition: Lung cancer. Review status: no classification provided. Collection method: in vitro. Allele origin: not applicable. Functional consequence: skipped exon. Not counted in ClinVar's aggregate classification.

Dr. Peter K. Rogan Lab, Western University
No classification provided (evidence only). Condition: Lung cancer. Review status: no classification provided. Collection method: in vitro. Allele origin: not applicable. Functional consequence: skipped exon. Not counted in ClinVar's aggregate classification.

Dr. Peter K. Rogan Lab, Western University
No classification provided (evidence only). Condition: Sarcoma. Review status: no classification provided. Collection method: in vitro. Allele origin: not applicable. Functional consequence: retained intron. Not counted in ClinVar's aggregate classification.

Dr. Peter K. Rogan Lab, Western University
No classification provided (evidence only). Condition: Hepatocellular carcinoma. Review status: no classification provided. Collection method: in vitro. Allele origin: not applicable. Functional consequence: retained intron. Not counted in ClinVar's aggregate classification.

Dr. Peter K. Rogan Lab, Western University
No classification provided (evidence only). Condition: Nonpapillary renal cell carcinoma. Review status: no classification provided. Collection method: in vitro. Allele origin: not applicable. Functional consequence: skipped exon. Not counted in ClinVar's aggregate classification.

NM_001127178.3(PIGG):c.1967C>T (p.Ala656Val)

Gene: PIGG (phosphatidylinositol glycan anchor biosynthesis class G (EMM blood group); plus strand). Cytogenetic location: 4p16.3.
Variant type: single nucleotide variant.
Coding change: c.1967C>T on transcript NM_001127178.3 (MANE Select); coding-DNA position 1967, C replaced by T.
Protein change: p.Ala656Val; replaces alanine 656 with valine.
Molecular consequence: missense variant. On other transcripts: non-coding transcript variant (6).
Genome position (GRCh38, 1-based): chr4:523,811, C>T. VCF-style: chr4-523811-C-T. GRCh37 (hg19) VCF-style: chr4-517600-C-T.
Other names: p.Ala656Val; c.1700C>T, p.Ala567Val (NM_001289051.2, NM_001345986.2); c.1568C>T, p.Ala523Val (NM_001289052.2); c.1676C>T, p.Ala559Val (NM_001345987.2); c.938C>T, p.Ala313Val (NM_001345988.2); c.434C>T, p.Ala145Val (NM_001345990.2, NM_001345991.2); c.869C>T, p.Ala290Val (NM_001345994.2); c.1943C>T, p.Ala648Val (NM_017733.5); short protein forms A656V, A313V, A523V, A567V, A559V, A145V, A290V, A648V.
Identifiers: ClinVar variation 376924 (VCV000376924.17), dbSNP rs61749092, ClinGen allele CA2793494.
Genomic context (GRCh38, chr4:523,811, plus strand): 5'-GCCACGGAAGCCCCTCTACCTCCGAAGTGCTCAGAGGCCGCGAGAAGTGGATGGTGCTGG[C>T]CAGTCCGTGGCTAATACTGGCCTGCTGCCGGCTGCTGCGCTCCCTAAACCAGACAGGTGT-3'
Protein context (NP_001120650.1, residues 646-666): LRGREKWMVL[Ala656Val]SPWLILACCR